The following is an entry in ClinVar:

NM_007254.4(PNKP):c.1016C>T (p.Pro339Leu)

Gene: PNKP (polynucleotide kinase 3'-phosphatase; minus strand). Cytogenetic location: 19q13.33.
Variant type: single nucleotide variant.
Coding change: c.1016C>T on transcript NM_007254.4 (MANE Select); coding-DNA position 1016, C replaced by T.
Protein change: p.Pro339Leu; replaces proline 339 with leucine.
Molecular consequence: missense variant.
Genome position (GRCh38, 1-based): chr19:49,862,384, G>A on the plus strand (C>T on the coding strand, the complement: PNKP is on the minus strand). VCF-style: chr19-49862384-G-A. GRCh37 (hg19) VCF-style: chr19-50365641-G-A.
Other names: short protein forms P339L.
Identifiers: ClinVar variation 1392835 (VCV001392835.5), dbSNP rs1025604697, ClinGen allele CA309494136.

ClinVar aggregate classification (germline): Uncertain significance (1 of 4 stars; one submission).

Conditions:
Developmental and epileptic encephalopathy, 12 (DEE12). Identifiers: MedGen C3150988, MONDO:0013389, OMIM 613722.

Allele frequency attached by ClinVar (database versions not stated): gnomAD 0.00001; gnomAD exomes 0.00001; TOPMed 0.00001.
gnomAD v4.1: 13 of 1,552,708 alleles (0.00084%); highest among the groups gnomAD compares: African/African-American, 0.0014%; no homozygotes.

Submission:

Labcorp Genetics (formerly Invitae), Labcorp
Classification: Uncertain significance for Developmental and epileptic encephalopathy, 12. Last evaluated: 2021-08-14. Review status: criteria provided, single submitter. Criteria: Invitae Variant Classification Sherloc (09022015). Collection method: clinical testing. Allele origin: germline.
Comment: This sequence change replaces proline with leucine at codon 339 of the PNKP protein (p.Pro339Leu). The proline residue is highly conserved and there is a moderate physicochemical difference between proline and leucine. This variant is not present in population databases (ExAC no frequency). This variant has not been reported in the literature in individuals affected with PNKP-related conditions. Algorithms developed to predict the effect of missense changes on protein structure and function (SIFT, PolyPhen-2, Align-GVGD) all suggest that this variant is likely to be disruptive. In summary, the available evidence is currently insufficient to determine the role of this variant in disease. Therefore, it has been classified as a Variant of Uncertain Significance.